The following is an entry in ClinVar:

NM_020919.4(ALS2):c.1578A>G (p.Thr526=)

Gene: ALS2 (alsin Rho guanine nucleotide exchange factor ALS2; minus strand). Cytogenetic location: 2q33.1.
Variant type: single nucleotide variant.
Coding change: c.1578A>G on transcript NM_020919.4 (MANE Select); coding-DNA position 1578, A replaced by G.
Protein change: p.Thr526=; no amino-acid change (threonine 526 retained).
Molecular consequence: synonymous variant.
Genome position (GRCh38, 1-based): chr2:201,754,565, T>C on the plus strand (A>G on the coding strand, the complement: ALS2 is on the minus strand). VCF-style: chr2-201754565-T-C. GRCh37 (hg19) VCF-style: chr2-202619288-T-C.
Identifiers: ClinVar variation 417160 (VCV000417160.42), dbSNP rs147284131, ClinGen allele CA2058423.

ClinVar aggregate classification (germline): Conflicting classifications of pathogenicity. Review status: criteria provided, conflicting classifications (1 of 4 stars). 6 submissions from 6 submitters: Uncertain significance (1); Benign (1); Likely benign (4). Last evaluated 2026-01-16.

Conditions:
Hereditary spastic paraplegia. Also called: Familial spastic paraparesis. Identifiers: Orphanet 685, MedGen C0037773, MONDO:0019064. Disease mechanism: loss of function.
Infantile-onset ascending hereditary spastic paralysis (IAHSP). Also called: Infantile-Onset Ascending Hereditary Spastic Paralysis (IAHSP); Autosomal Recessive Juvenile Amyotrophic Lateral Sclerosis. Identifiers: Orphanet 293168, MedGen C2931441, MONDO:0011797, OMIM 607225. Disease mechanism: loss of function.

Allele frequency attached by ClinVar (database versions not stated): 1000 Genomes Project 30x 0.00016; ESP Exome Variant Server 0.00016; gnomAD 0.00016; 1000 Genomes Project 0.00020; ExAC 0.00023; TOPMed 0.00026; gnomAD exomes 0.00027.
gnomAD v4.1: 444 of 1,614,170 alleles (0.028%); highest among the groups gnomAD compares: Middle Eastern, 0.84%; 3 homozygotes.

Submissions (6):

Labcorp Genetics (formerly Invitae), Labcorp
Classification: Likely benign for Infantile-onset ascending hereditary spastic paralysis. Last evaluated: 2026-01-16. Review status: criteria provided, single submitter. Criteria: Invitae Variant Classification Sherloc (09022015). Collection method: clinical testing. Allele origin: germline.

Blueprint Genetics
Classification: Likely benign. Last evaluated: 2024-10-24. Review status: criteria provided, single submitter. Criteria: ACMG Guidelines, 2015. Collection method: clinical testing. Allele origin: germline.

CeGaT Center for Human Genetics Tuebingen
Classification: Likely benign. Last evaluated: 2023-01-01. Review status: criteria provided, single submitter. Criteria: CeGaT Center For Human Genetics Tuebingen Variant Classification Criteria Version 2. Collection method: clinical testing. Allele origin: germline. Affected: yes. Observed: 1 variant allele.
Comment: ALS2: BP4, BP7

GeneDx
Classification: Likely benign. Last evaluated: 2021-05-03. Review status: criteria provided, single submitter. Criteria: GeneDx Variant Classification Process June 2021. Collection method: clinical testing. Allele origin: germline. Affected: yes.

Genome Diagnostics Laboratory, The Hospital for Sick Children
Classification: Uncertain significance for Hereditary spastic paraplegia. Last evaluated: 2021-02-18. Review status: criteria provided, single submitter. Criteria: ACMG Guidelines, 2015. Collection method: clinical testing. Allele origin: germline. Affected: yes.

Athena Diagnostics
Classification: Benign. Last evaluated: 2019-03-05. Review status: criteria provided, single submitter. Criteria: Athena Diagnostics Criteria. Collection method: clinical testing. Allele origin: germline.